The following is an entry in ClinVar:

NM_024312.5(GNPTAB):c.775C>T (p.Gln259Ter)

Gene: GNPTAB (N-acetylglucosamine-1-phosphate transferase subunits alpha and beta; minus strand). Cytogenetic location: 12q23.2.
Variant type: single nucleotide variant.
Coding change: c.775C>T on transcript NM_024312.5 (MANE Select); coding-DNA position 775, C replaced by T.
Protein change: p.Gln259Ter; replaces glutamine 259 with a stop codon.
Molecular consequence: nonsense.
Genome position (GRCh38, 1-based): chr12:101,771,154, G>A on the plus strand (C>T on the coding strand, the complement: GNPTAB is on the minus strand). VCF-style: chr12-101771154-G-A. GRCh37 (hg19) VCF-style: chr12-102164932-G-A.
Other names: short protein forms Q259*.
Identifiers: ClinVar variation 631534 (VCV000631534.9), dbSNP rs1566078120, ClinGen allele CA386303769.

ClinVar aggregate classification (germline): Pathogenic/Likely pathogenic. Review status: criteria provided, multiple submitters, no conflicts (2 of 4 stars). 2 submissions from 2 submitters: Pathogenic (1); Likely pathogenic (1). Last evaluated 2025-02-20.

Conditions:
Mucolipidosis type II. Also called: Mucolipidosis II Alpha/Beta; ML II ALPHA/BETA; Mucolipidosis 2; ML 2; Inclusion cell disease; Leroy Disease. Identifiers: Orphanet 576, MedGen C2673377, MONDO:0009650, OMIM 252500.
Pseudo-Hurler polydystrophy. Also called: MUCOLIPIDOSIS IIIA; ML III; ML III ALPHA/BETA; Type III Mucolipidosis; ML IIIA; Mucolipidosis III Alpha/Beta. Identifiers: Orphanet 423461, Orphanet 577, MedGen C0033788, MONDO:0018931, OMIM 252600.

gnomAD v4.1: 1 of 1,612,760 alleles (0.000062%); no homozygotes.

Submissions (2):

Natera, Inc.
Classification: Likely pathogenic for Mucolipidosis type II. Last evaluated: 2025-02-20. Review status: criteria provided, single submitter. Criteria: Natera Variant Classification Schema (03/2026). Collection method: clinical testing. Allele origin: germline.
Comment: The c.775C>T variant in GNPTAB is a nonsense variant predicted to introduce a stop codon at amino acid 259. This variant is expected to result in nonsense mediated decay, truncation, or a dysfunctional protein product. This variant is rare in the general population with a frequency below the threshold expected for the associated phenotype(s). Given the available evidence, this variant is classified as Likely Pathogenic.

Labcorp Genetics (formerly Invitae), Labcorp
Classification: Pathogenic for Pseudo-Hurler polydystrophy; Mucolipidosis type II. Last evaluated: 2023-09-04. Review status: criteria provided, single submitter. Criteria: Invitae Variant Classification Sherloc (09022015). Collection method: clinical testing. Allele origin: germline.
Comment: For these reasons, this variant has been classified as Pathogenic. ClinVar contains an entry for this variant (Variation ID: 631534). This variant has not been reported in the literature in individuals affected with GNPTAB-related conditions. This variant is not present in population databases (gnomAD no frequency). This sequence change creates a premature translational stop signal (p.Gln259*) in the GNPTAB gene. It is expected to result in an absent or disrupted protein product. Loss-of-function variants in GNPTAB are known to be pathogenic (PMID: 19617216, 25107912).

Literature cited by the submitters: PubMed 19617216 (cited by Labcorp Genetics (formerly Invitae), Labcorp); PubMed 25107912 (cited by Labcorp Genetics (formerly Invitae), Labcorp).